The following is an entry in ClinVar:

NM_024577.4(SH3TC2):c.*14856C>A

Gene: SH3TC2 (SH3 domain and tetratricopeptide repeats 2; minus strand). Cytogenetic location: 5q32.
Variant type: single nucleotide variant.
Coding change: c.*14856C>A on transcript NM_024577.4 (MANE Select); 14856 bases downstream of the stop codon, C replaced by A.
Molecular consequence: 3 prime UTR variant.
Genome position (GRCh38, 1-based): chr5:148,989,855, G>T on the plus strand (C>A on the coding strand, the complement: SH3TC2 is on the minus strand). VCF-style: chr5-148989855-G-T. GRCh37 (hg19) VCF-style: chr5-148369418-G-T.
Identifiers: ClinVar variation 351658 (VCV000351658.6), dbSNP rs891920, ClinGen allele CA10623339.

ClinVar aggregate classification (germline): Benign. Review status: criteria provided, multiple submitters, no conflicts (2 of 4 stars). 3 submissions from 2 submitters: Benign (3). Last evaluated 2021-05-14.

Conditions:
Charcot-Marie-Tooth disease type 4C (CMT4C). Also called: CHARCOT-MARIE-TOOTH DISEASE, DEMYELINATING, AUTOSOMAL RECESSIVE, TYPE 4C; CMT 4C; Charcot-Marie-Tooth Neuropathy Type 4C (CMT4C); CHARCOT-MARIE-TOOTH DISEASE, DEMYELINATING, TYPE 4C; SH3TC2-Related Hereditary Motor and Sensory Neuropathy. Identifiers: Orphanet 99949, MedGen C1866636, MONDO:0011113, OMIM 601596.
Susceptibility to mononeuropathy of the median nerve, mild. Also called: CARPAL TUNNEL SYNDROME, SUSCEPTIBILITY TO. Identifiers: MedGen C3150596, MONDO:0013237, OMIM 613353.

Allele frequency attached by ClinVar (database versions not stated): 1000 Genomes Project 0.19728; 1000 Genomes Project 30x 0.19831; TOPMed 0.22218; gnomAD 0.22481 and 0.22858.
gnomAD v4.1: 34,194 of 151,978 alleles (22%); highest among the groups gnomAD compares: African/African-American, 31%; 4,294 homozygotes.

Submissions (3):

GeneDx
Classification: Benign. Last evaluated: 2021-05-14. Review status: criteria provided, single submitter. Criteria: GeneDx Variant Classification Process June 2021. Collection method: clinical testing. Allele origin: germline. Affected: yes.

Illumina Laboratory Services, Illumina
Classification: Benign for Susceptibility to mononeuropathy of the median nerve, mild. Last evaluated: 2018-01-13. Review status: criteria provided, single submitter. Criteria: ICSL Variant Classification Criteria 13 December 2019. Collection method: clinical testing. Allele origin: germline.
Comment: This variant was observed in the ICSL laboratory as part of a predisposition screen in an ostensibly healthy population. It had not been previously curated by ICSL or reported in the Human Gene Mutation Database (HGMD: prior to June 1st, 2018), and was therefore a candidate for classification through an automated scoring system. Utilizing variant allele frequency, disease prevalence and penetrance estimates, and inheritance mode, an automated score was calculated to assess if this variant is too frequent to cause the disease. Based on the score and internal cut-off values, a variant classified as benign is not then subjected to further curation. The score for this variant resulted in a classification of benign for this disease.

Illumina Laboratory Services, Illumina
Classification: Benign for Charcot-Marie-Tooth disease type 4C. Last evaluated: 2018-01-13. Review status: criteria provided, single submitter. Criteria: ICSL Variant Classification Criteria 13 December 2019. Collection method: clinical testing. Allele origin: germline.
Comment: the same text as in the submission from Illumina Laboratory Services, Illumina above.